The following is an entry in ClinVar:

NM_002546.4(TNFRSF11B):c.817+8A>C

Gene: TNFRSF11B (TNF receptor superfamily member 11b; minus strand). Cytogenetic location: 8q24.12.
Variant type: single nucleotide variant.
Coding change: c.817+8A>C on transcript NM_002546.4 (MANE Select); 8 bases into the intron after coding-DNA position 817, A replaced by C.
Molecular consequence: intron variant.
Genome position (GRCh38, 1-based): chr8:118,926,486, T>G on the plus strand (A>C on the coding strand, the complement: TNFRSF11B is on the minus strand). VCF-style: chr8-118926486-T-G. GRCh37 (hg19) VCF-style: chr8-119938725-T-G.
Identifiers: ClinVar variation 258774 (VCV000258774.14), dbSNP rs7844539, ClinGen allele CA4854826.
Genomic context (GRCh38, chr8:118,926,486, plus strand): 5'-TGTTCCTGGTTTATGATAAATAGGTGTCTTTGATTTCTGATTGATCTTTTTATTTTAGAT[T>G]ATCATACCTTGGATGATCTTCTTGACTATATCTTGGTCTTTGTTTTGATGTTTCCATAAC-3'

ClinVar aggregate classification (germline): Benign. Review status: criteria provided, multiple submitters, no conflicts (2 of 4 stars). 4 submissions from 4 submitters: Benign (4). Last evaluated 2026-02-04.

Conditions:
Hyperphosphatasemia with bone disease (PDB5). Also called: PAGET DISEASE OF BONE 5, JUVENILE-ONSET; Paget disease of bone 5; Osteoectasia familial; HYPEROSTOSIS CORTICALIS DEFORMANS JUVENILIS; HYPERPHOSPHATASEMIA, CHRONIC CONGENITAL IDIOPATHIC; HYPERPHOSPHATASIA, FAMILIAL IDIOPATHIC. Identifiers: Orphanet 2801, MedGen C0268414, MONDO:0009394, OMIM 239000.

Allele frequency attached by ClinVar (database versions not stated): gnomAD exomes 0.10501 and 0.12205; ESP Exome Variant Server 0.10612; 1000 Genomes Project 30x 0.07417; 1000 Genomes Project 0.07808; ExAC 0.10871; TOPMed 0.09119; gnomAD 0.09813 and 0.09748.
gnomAD v4.1: 191,925 of 1,602,938 alleles (12%); highest among the groups gnomAD compares: South Asian, 14%; 12,574 homozygotes.

Submissions (4):

Labcorp Genetics (formerly Invitae), Labcorp
Classification: Benign. Last evaluated: 2026-02-04. Review status: criteria provided, single submitter. Criteria: Invitae Variant Classification Sherloc (09022015). Collection method: clinical testing. Allele origin: germline.

Illumina Laboratory Services, Illumina
Classification: Benign for Hyperphosphatasemia with bone disease. Last evaluated: 2018-01-13. Review status: criteria provided, single submitter. Criteria: ICSL Variant Classification Criteria 13 December 2019. Collection method: clinical testing. Allele origin: germline.
Comment: This variant was observed in the ICSL laboratory as part of a predisposition screen in an ostensibly healthy population. It had not been previously curated by ICSL or reported in the Human Gene Mutation Database (HGMD: prior to June 1st, 2018), and was therefore a candidate for classification through an automated scoring system. Utilizing variant allele frequency, disease prevalence and penetrance estimates, and inheritance mode, an automated score was calculated to assess if this variant is too frequent to cause the disease. Based on the score and internal cut-off values, a variant classified as benign is not then subjected to further curation. The score for this variant resulted in a classification of benign for this disease.

Breakthrough Genomics
Classification: Benign. Review status: criteria provided, single submitter. Criteria: ACMG Guidelines, 2015. Collection method: not provided. Allele origin: germline. Inheritance: Autosomal recessive inheritance. Affected: yes.

PreventionGenetics, part of Exact Sciences
Classification: Benign. Review status: criteria provided, single submitter. Criteria: ACMG Guidelines, 2015. Collection method: clinical testing. Allele origin: germline.